The following is an entry in ClinVar:

NM_021098.3(CACNA1H):c.6544C>T (p.Arg2182Cys)

Gene: CACNA1H (calcium voltage-gated channel subunit alpha1 H; plus strand). Cytogenetic location: 16p13.3.
Variant type: single nucleotide variant.
Coding change: c.6544C>T on transcript NM_021098.3 (MANE Select); coding-DNA position 6544, C replaced by T.
Protein change: p.Arg2182Cys; replaces arginine 2182 with cysteine.
Molecular consequence: missense variant.
Genome position (GRCh38, 1-based): chr16:1,220,476, C>T. VCF-style: chr16-1220476-C-T. GRCh37 (hg19) VCF-style: chr16-1270476-C-T.
Other names: c.6526C>T, p.Arg2176Cys (NM_001005407.2); c.6544C>T (NM_021098.2); short protein forms R2176C, R2182C.
Identifiers: ClinVar variation 1440506 (VCV001440506.8), dbSNP rs1244507563, ClinGen allele CA394149928.

ClinVar aggregate classification (germline): Conflicting classifications of pathogenicity. Review status: criteria provided, conflicting classifications (1 of 4 stars). 3 submissions from 3 submitters: Uncertain significance (2); Benign (1). Last evaluated 2024-07-06.

Conditions:
Idiopathic generalized epilepsy. Also called: EIG; Generalised epilepsy. Identifiers: MedGen C0270850, MONDO:0005579, OMIM 600669.
Hyperaldosteronism, familial, type IV (HALD4). Also called: FH IV; ALDOSTERONISM, PRIMARY, AND HYPERTENSION. Identifiers: Orphanet 642671, MedGen C4310756, MONDO:0014875, OMIM 617027.

Allele frequency attached by ClinVar (database versions not stated): gnomAD exomes 0.00001; gnomAD 0.00002; TOPMed 0.00002.

Submissions (3):

Labcorp Genetics (formerly Invitae), Labcorp
Classification: Benign for Idiopathic generalized epilepsy; Hyperaldosteronism, familial, type IV. Last evaluated: 2024-07-06. Review status: criteria provided, single submitter. Criteria: Invitae Variant Classification Sherloc (09022015). Collection method: clinical testing. Allele origin: germline.

Revvity Omics, Revvity
Classification: Uncertain significance for Hyperaldosteronism, familial, type IV. Last evaluated: 2023-05-10. Review status: criteria provided, single submitter. Criteria: ACMG Guidelines, 2015. Collection method: clinical testing. Allele origin: germline.

GeneDx
Classification: Uncertain significance. Last evaluated: 2023-03-06. Review status: criteria provided, single submitter. Criteria: GeneDx Variant Classification Process June 2021. Collection method: clinical testing. Allele origin: germline. Affected: yes.
Comment: Not observed at significant frequency in large population cohorts (gnomAD); In silico analysis supports that this missense variant has a deleterious effect on protein structure/function; Has not been previously published as pathogenic or benign to our knowledge.